The following is an entry in ClinVar:

NM_000051.4(ATM):c.5319+2T>G

Gene: ATM (ATM serine/threonine kinase; plus strand). Cytogenetic location: 11q22.3.
Variant type: single nucleotide variant.
Coding change: c.5319+2T>G on transcript NM_000051.4 (MANE Select); the canonical splice donor site of the intron after coding-DNA position 5319, T replaced by G.
Molecular consequence: splice donor variant.
Genome position (GRCh38, 1-based): chr11:108,301,791, T>G. VCF-style: chr11-108301791-T-G. GRCh37 (hg19) VCF-style: chr11-108172518-T-G.
Other names: c.5319+2T>G (NM_001351834.2).
Identifiers: ClinVar variation 1346498 (VCV001346498.6), dbSNP rs1555105842, ClinGen allele CA382542861.

ClinVar aggregate classification (germline): Likely pathogenic (1 of 4 stars; one submission).

Conditions:
Ataxia-telangiectasia syndrome (AT). Also called: Ataxia-telangiectasia, complementation group D; ATAXIA-TELANGIECTASIA, COMPLEMENTATION GROUP A; ATAXIA-TELANGIECTASIA, FRESNO VARIANT; Ataxia-telangiectasia, complementation group E; Cerebello-oculocutaneous telangiectasia; Immunodeficiency with ataxia telangiectasia. Identifiers: Orphanet 100, MedGen C0004135, MONDO:0008840, OMIM 208900.

Submission:

Labcorp Genetics (formerly Invitae), Labcorp
Classification: Likely pathogenic for Ataxia-telangiectasia syndrome. Last evaluated: 2021-10-28. Review status: criteria provided, single submitter. Criteria: Invitae Variant Classification Sherloc (09022015). Collection method: clinical testing. Allele origin: germline.
Comment: In summary, the currently available evidence indicates that the variant is pathogenic, but additional data are needed to prove that conclusively. Therefore, this variant has been classified as Likely Pathogenic. Algorithms developed to predict the effect of sequence changes on RNA splicing suggest that this variant may disrupt the consensus splice site. Disruption of this splice site has been observed in individual(s) with ataxia-telangiectasia (PMID: 17124347, 23454770). This variant is not present in population databases (gnomAD no frequency). This sequence change affects a donor splice site in intron 35 of the ATM gene. It is expected to disrupt RNA splicing. Variants that disrupt the donor or acceptor splice site typically lead to a loss of protein function (PMID: 16199547), and loss-of-function variants in ATM are known to be pathogenic (PMID: 23807571, 25614872).

Literature cited by the submitters: PubMed 17124347; PubMed 23454770; PubMed 16199547; PubMed 23807571; PubMed 25614872.